The following is an entry in ClinVar:

NM_175914.5(HNF4A):c.427A>G (p.Ile143Val)

Gene: HNF4A (hepatocyte nuclear factor 4 alpha; plus strand). Cytogenetic location: 20q13.12.
Variant type: single nucleotide variant.
Coding change: c.427A>G on transcript NM_175914.5 (MANE Select); coding-DNA position 427, A replaced by G.
Protein change: p.Ile143Val; replaces isoleucine 143 with valine.
Molecular consequence: missense variant.
Genome position (GRCh38, 1-based): chr20:44,414,507, A>G. VCF-style: chr20-44414507-A-G. GRCh37 (hg19) VCF-style: chr20-43043147-A-G.
Other names: NM_175914.5(HNF4A):c.427A>G; p.Ile143Val; c.493A>G, p.Ile165Val (NM_000457.6, NM_178849.3, NM_178850.3); c.427A>G, p.Ile143Val (NM_001030003.3, NM_001030004.3); c.472A>G, p.Ile158Val (NM_001258355.2); c.418A>G, p.Ile140Val (NM_001287182.2, NM_001287183.2, NM_001287184.2); short protein forms I140V, I143V, I165V, I158V.
Identifiers: ClinVar variation 586016 (VCV000586016.15), dbSNP rs368759794, ClinGen allele CA9870271.
Genomic context (GRCh38, chr20:44,414,507, plus strand): 5'-GACAGAGAGTGCGGGAGGGCCCGGACATCTCCAGCATTTTCTTCCCTGTATCTCTCGAAG[A>G]TCACCTCCCCCGTCTCCGGGATCAACGGCGACATTCGGGCGAAGAAGATTGCCAGCATCG-3'
Protein context (NP_787110.2, residues 133-153): LLQAEVLSRQ[Ile143Val]TSPVSGINGD

ClinVar aggregate classification (germline): Uncertain significance. Review status: reviewed by expert panel (3 of 4 stars). 6 submissions from 6 submitters: Uncertain significance (1). 5 of the submissions do not count toward it. Last evaluated 2024-05-09.

Conditions:
Maturity-onset diabetes of the young (MODY). Also called: Maturity onset diabetes mellitus in young. Identifiers: Orphanet 552, MedGen C0342276, MONDO:0018911, HP:0004904.
Monogenic diabetes. Identifiers: Orphanet 183625, MedGen C3888631, MONDO:0015967.
Maturity-onset diabetes of the young type 1. Also called: MODY type 1; Diabetes mellitus MODY type 1; MODY HNF4A related; HNF4A-Related Maturity-Onset Diabetes of the Young Type 1; MODY, type I; MILD JUVENILE DIABETES MELLITUS. Identifiers: Orphanet 552, MedGen C1852093, MONDO:0007452, OMIM 125850. Disease mechanism: loss of function.
Type 2 diabetes mellitus. Also called: Type II diabetes mellitus. Identifiers: MedGen C0011860, MeSH D003924, MONDO:0005148, OMIM 125853, HP:0005978.
Fanconi renotubular syndrome 4 with maturity-onset diabetes of the young (FRTS4). Also called: FRTS4 WITH MODY. Identifiers: Orphanet 93111, MedGen C4014962, MONDO:0014458, OMIM 616026.

Allele frequency attached by ClinVar (database versions not stated): gnomAD exomes below 0.00001 and 0.00002; ExAC 0.00002; ESP Exome Variant Server 0.00008.
gnomAD v4.1: 34 of 1,614,188 alleles (0.0021%); highest among the groups gnomAD compares: Non-Finnish European, 0.0028%; no homozygotes.

Submissions (6):

ClinGen Monogenic Diabetes Variant Curation Expert Panel
Classification: Uncertain significance for Monogenic diabetes. Last evaluated: 2024-05-09. Review status: reviewed by expert panel. Criteria: ClinGen Diabetes ACMG Specifications HNF4A V2.0.0. Collection method: curation. Allele origin: germline. Inheritance: Autosomal dominant inheritance.
Comment: The c.427A>G variant in the hepatocyte nuclear factor 4-alpha gene, HNFA, causes an amino acid change of isoleucine to valine at codon 143 (p.(Ile143Val)) of NM_175914.5. This variant has an incomputable gnomAD v2.1.1 Grpmax filtering allele frequency due to one copy in the European non-Finnish subpopulation and zero copies in any other subpopulation, thereby meeting the ClinGen MDEP threshold criteria for PM2_Supporting (ENF Grpmax FAF <= 0.000003 and <= 2 copies in ENF and <=1 copy in any other subpopulation) (PM2_Supporting). This variant has a REVEL score of 0.445, which is between the ClinGen MDEP thresholds for BP4 and PP3, predicting neither a damaging nor benign impact on HNF4A function. In summary, the c.427A>G variant meets the criteria to be classified as a variant of uncertain significance for monogenic diabetes. ACMG/AMP criteria applied, as specified by the ClinGen MDEP (specification version 2.0.0, approved 10/11/2023): PM2_Supporting.

Rare Kidney Stone Consortium and the Mayo Clinic Hyperoxaluria Center, Mayo Clinic
Classification: Uncertain significance for Fanconi renotubular syndrome 4 with maturity-onset diabetes of the young. Last evaluated: 2025-05-01. Review status: criteria provided, single submitter. Criteria: ACMG Guidelines, 2015. Collection method: research. Allele origin: germline. Not counted in ClinVar's aggregate classification.
Comment: ACMG: PP3

heterozygote. Could be significant in family.

Fulgent Genetics
Classification: Uncertain significance for Maturity-onset diabetes of the young type 1; Type 2 diabetes mellitus; Fanconi renotubular syndrome 4 with maturity-onset diabetes of the young. Last evaluated: 2022-03-05. Review status: criteria provided, single submitter. Criteria: ACMG Guidelines, 2015. Collection method: clinical testing. Allele origin: unknown. Not counted in ClinVar's aggregate classification.

Athena Diagnostics
Classification: Uncertain significance. Last evaluated: 2017-09-25. Review status: criteria provided, single submitter. Criteria: Athena Diagnostics Criteria. Collection method: clinical testing. Allele origin: germline. Not counted in ClinVar's aggregate classification.

Labcorp Genetics (formerly Invitae), Labcorp
Classification: Uncertain significance. Last evaluated: 2017-09-21. Review status: criteria provided, single submitter. Criteria: Invitae Variant Classification Sherloc (09022015). Collection method: clinical testing. Allele origin: germline. Not counted in ClinVar's aggregate classification.
Comment: In summary, the available evidence is currently insufficient to determine the role of this variant in disease. Therefore, it has been classified as a Variant of Uncertain Significance. Algorithms developed to predict the effect of sequence changes on RNA splicing suggest that this variant may create or strengthen a splice site, but this prediction has not been confirmed by published transcriptional studies. Algorithms developed to predict the effect of missense changes on protein structure and function (SIFT, PolyPhen-2, Align-GVGD) all suggest that this variant is likely to be tolerated, but these predictions have not been confirmed by published functional studies and their clinical significance is uncertain. This variant has not been reported in the literature in individuals with HNF4A-related disease. This variant is present in population databases (rs368759794, ExAC 0.003%). This sequence change replaces isoleucine with valine at codon 143 of the HNF4A protein (p.Ile143Val). The isoleucine residue is highly conserved and there is a small physicochemical difference between isoleucine and valine.

Clinical Genomics, Uppaluri K&H Personalized Medicine Clinic
Classification: Uncertain significance for Maturity-onset diabetes of the young. Review status: criteria provided, single submitter. Criteria: K & H Uppaluri Personalized Medicine Clinic Variant Classification & Assertion Criteria_Updated V.1. Collection method: research. Allele origin: unknown. Inheritance: Autosomal dominant inheritance. Not counted in ClinVar's aggregate classification.
Comment: Potent mutations in HNF4A are associated with poor insulin secretion in response to hyperglycemia. Associated with MODY1. Patients initially respond well to sulfonylureas but eventually become insulin dependent. However, more evidence is required to ascertain the role of this particular variant rs368759794 in MODY, yet.

Literature cited by the submitters: PubMed 34805638 (cited by Rare Kidney Stone Consortium and the Mayo Clinic Hyperoxaluria Center, Mayo Clinic); PubMed 18268044 (cited by Clinical Genomics, Uppaluri K&H Personalized Medicine Clinic); PubMed 17563455 (cited by Clinical Genomics, Uppaluri K&H Personalized Medicine Clinic); PubMed 32583173 (cited by Clinical Genomics, Uppaluri K&H Personalized Medicine Clinic); PubMed 35052457 (cited by Clinical Genomics, Uppaluri K&H Personalized Medicine Clinic); PubMed 35118593 (cited by Clinical Genomics, Uppaluri K&H Personalized Medicine Clinic); DOI 10.1159/000334532 (cited by Clinical Genomics, Uppaluri K&H Personalized Medicine Clinic).